The following is an entry in ClinVar:

NM_001267550.2(TTN):c.107839A>G (p.Ile35947Val)

Genes: TTN (titin; minus strand), TTN-AS1 (TTN antisense RNA 1; plus strand). Cytogenetic location: 2q31.2.
Variant type: single nucleotide variant.
Coding change: c.107839A>G on transcript NM_001267550.2 (MANE Select); coding-DNA position 107839, A replaced by G.
Protein change: p.Ile35947Val; replaces isoleucine 35947 with valine.
Molecular consequence: missense variant.
Genome position (GRCh38, 1-based): chr2:178,527,149, T>C on the plus strand (A>G on the coding strand, the complement: TTN is on the minus strand). VCF-style: chr2-178527149-T-C. GRCh37 (hg19) VCF-style: chr2-179391876-T-C.
Other names: c.102916A>G, p.Ile34306Val (NM_001256850.1); c.80644A>G, p.Ile26882Val (NM_003319.4); c.100135A>G, p.Ile33379Val (NM_133378.4); c.81019A>G, p.Ile27007Val (NM_133432.3); c.81220A>G, p.Ile27074Val (NM_133437.4); short protein forms I35947V, I26882V, I27007V, I34306V, I27074V, I33379V.
Identifiers: ClinVar variation 466773 (VCV000466773.7), dbSNP rs1553476576, ClinGen allele CA349398739.
Genomic context (GRCh38, chr2:178,527,149, plus strand): 5'-CACCATCTTGTTTCTGTACGTCCATGATGATCAGGGTTGTCAGGTCATCTGTGTTTTCAA[T>C]GTGGAACCTCCCCTGTTCTTGACTGTGGATTTTTCTTCCACCACAGGACCATGTTACTTC-3'
Protein context (NP_001254479.2, residues 35937-35957): IHSQEQGRFH[Ile35947Val]ENTDDLTTLI

ClinVar aggregate classification (germline): Uncertain significance (1 of 4 stars; one submission).

Conditions:
Autosomal recessive limb-girdle muscular dystrophy type 2J (LGMDR10). Also called: Limb-girdle muscular dystrophy, type 2J; MUSCULAR DYSTROPHY, LIMB-GIRDLE, AUTOSOMAL RECESSIVE 10. Identifiers: Orphanet 140922, MedGen C1837342, MONDO:0012127, OMIM 608807.
Dilated cardiomyopathy 1G (CMD1G). Identifiers: Orphanet 154, MedGen C1858763, MONDO:0011400, OMIM 604145.

Submission:

Labcorp Genetics (formerly Invitae), Labcorp
Classification: Uncertain significance for Dilated cardiomyopathy 1G; Autosomal recessive limb-girdle muscular dystrophy type 2J. Last evaluated: 2023-05-01. Review status: criteria provided, single submitter. Criteria: Invitae Variant Classification Sherloc (09022015). Collection method: clinical testing. Allele origin: germline.
Comment: This sequence change replaces isoleucine, which is neutral and non-polar, with valine, which is neutral and non-polar, at codon 35947 of the TTN protein (p.Ile35947Val). In summary, the available evidence is currently insufficient to determine the role of this variant in disease. Therefore, it has been classified as a Variant of Uncertain Significance. This variant disrupts the p.Ile35947 amino acid residue in TTN. Other variant(s) that disrupt this residue have been determined to be pathogenic (PMID: 27796757; Invitae). This suggests that this residue is clinically significant, and that variants that disrupt this residue are likely to be disease-causing. This variant is located in the M band of TTN (PMID: 25589632). Variants in this region may be relevant for neuromuscular disorders, but have not been definitively shown to cause cardiomyopathy (PMID: 23975875). Experimental studies and prediction algorithms are not available or were not evaluated, and the functional significance of this variant is currently unknown. ClinVar contains an entry for this variant (Variation ID: 466773). This variant has not been reported in the literature in individuals affected with TTN-related conditions. This variant is not present in population databases (gnomAD no frequency).

Literature cited by the submitters: PubMed 27796757; PubMed 25589632; PubMed 23975875.